The following is an entry in ClinVar:

NM_001365951.3(KIF1B):c.1928A>G (p.Glu643Gly)

Gene: KIF1B (kinesin family member 1B; plus strand). Cytogenetic location: 1p36.22.
Variant type: single nucleotide variant.
Coding change: c.1928A>G on transcript NM_001365951.3 (MANE Select); coding-DNA position 1928, A replaced by G.
Protein change: p.Glu643Gly; replaces glutamic acid 643 with glycine.
Molecular consequence: missense variant.
Genome position (GRCh38, 1-based): chr1:10,296,963, A>G. VCF-style: chr1-10296963-A-G. GRCh37 (hg19) VCF-style: chr1-10357021-A-G.
Other names: c.1928A>G, p.Glu643Gly (NM_001365952.1); c.1790A>G, p.Glu597Gly (NM_001365953.1, NM_015074.3, NM_183416.4); short protein forms E643G, E597G.
Identifiers: ClinVar variation 3864072 (VCV003864072.1).

ClinVar aggregate classification (germline): Uncertain significance (1 of 4 stars; one submission).

Submission:

Ambry Genetics
Classification: Uncertain significance. Last evaluated: 2025-01-14. Review status: criteria provided, single submitter. Criteria: Ambry Variant Classification Scheme 2023. Collection method: clinical testing. Allele origin: germline.
Comment: The p.E597G variant (also known as c.1790A>G), located in coding exon 18 of the KIF1B gene, results from an A to G substitution at nucleotide position 1790. The glutamic acid at codon 597 is replaced by glycine, an amino acid with similar properties. This amino acid position is conserved. In addition, the in silico prediction for this alteration is inconclusive. Based on the available evidence, the clinical significance of this variant remains unclear.